The following is an entry in ClinVar:

ClinVar aggregate classification (germline): Uncertain significance (1 of 4 stars; one submission).

Conditions:
Charcot-Marie-Tooth disease type 4. Also called: Charcot-Marie-Tooth disease, type IV; Charcot-Marie-Tooth, Type 4. Identifiers: Orphanet 64749, MedGen C4082197, MONDO:0018995.

Allele frequency attached by ClinVar (database versions not stated): TOPMed 0.00001; gnomAD 0.00001.
gnomAD v4.1: 1 of 1,613,958 alleles (0.000062%); highest among the groups gnomAD compares: Non-Finnish European, 0.000085%; no homozygotes.

Submission:

Labcorp Genetics (formerly Invitae), Labcorp
Classification: Uncertain significance for Charcot-Marie-Tooth disease type 4. Last evaluated: 2021-08-14. Review status: criteria provided, single submitter. Criteria: Invitae Variant Classification Sherloc (09022015). Collection method: clinical testing. Allele origin: germline.
Comment: This sequence change replaces histidine with tyrosine at codon 214 of the NDRG1 protein (p.His214Tyr). The histidine residue is moderately conserved and there is a moderate physicochemical difference between histidine and tyrosine. This variant is not present in population databases (ExAC no frequency). This variant has not been reported in the literature in individuals affected with NDRG1-related conditions. Algorithms developed to predict the effect of missense changes on protein structure and function are either unavailable or do not agree on the potential impact of this missense change (SIFT: "Tolerated"; PolyPhen-2: "Possibly Damaging"; Align-GVGD: "Class C0"). In summary, the available evidence is currently insufficient to determine the role of this variant in disease. Therefore, it has been classified as a Variant of Uncertain Significance.

NM_006096.4(NDRG1):c.640C>T (p.His214Tyr)

Gene: NDRG1 (N-myc downstream regulated 1; minus strand). Cytogenetic location: 8q24.22.
Variant type: single nucleotide variant.
Coding change: c.640C>T on transcript NM_006096.4 (MANE Select); coding-DNA position 640, C replaced by T.
Protein change: p.His214Tyr; replaces histidine 214 with tyrosine.
Molecular consequence: missense variant.
Genome position (GRCh38, 1-based): chr8:133,250,498, G>A on the plus strand (C>T on the coding strand, the complement: NDRG1 is on the minus strand). VCF-style: chr8-133250498-G-A. GRCh37 (hg19) VCF-style: chr8-134262741-G-A.
Other names: c.640C>T, p.His214Tyr (NM_001135242.2, NM_001374845.1, NM_001374846.1); c.442C>T, p.His148Tyr (NM_001258432.2, NM_001374847.1); c.397C>T, p.His133Tyr (NM_001258433.2); c.691C>T, p.His231Tyr (NM_001374844.1); short protein forms H133Y, H148Y, H214Y, H231Y.
Identifiers: ClinVar variation 1373142 (VCV001373142.5), dbSNP rs1855954315, ClinGen allele CA372255400.